The following is an entry in ClinVar:

NM_001195605.2(ZNF865):c.254_257dup (p.Lys86fs)

Gene: ZNF865 (zinc finger protein 865; plus strand). Cytogenetic location: 19q13.42.
Variant type: Duplication.
Coding change: c.254_257dup on transcript NM_001195605.2 (MANE Select); coding-DNA positions 254 to 257, 4 bases duplicated (TCAA; older notation c.254_257dupTCAA).
Protein change: p.Lys86fs; shifts the reading frame from lysine 86.
Molecular consequence: frameshift variant.
Genome position (GRCh38, 1-based): chr19:55,613,872-55,613,875, TCAA duplicated. VCF-style (leftmost placement, unchanged base first): chr19-55613871-T-TTCAA. GRCh37 (hg19) VCF-style: chr19-56125237-T-TTCAA.
Other names: short protein forms K86fs.
Identifiers: ClinVar variation 5009803 (VCV005009803.1).
Genomic context (GRCh38, chr19:55,613,871, plus strand): 5'-CCGCCGCAGCCCCCGCCGCAGCCCCCTCCCCCGCAGTATGACTACCCGCCCCAGTCCACC[T>TTCAA]TCAAGCCCAAGGCGGAGGTGCCCTCCTCGTCCTCGTCCTCGTCCTCCTCCTCCTCCTCTT-3'

ClinVar aggregate classification (germline): Uncertain significance (1 of 4 stars; one submission).

Submission:

GeneDx
Classification: Uncertain significance. Last evaluated: 2026-02-11. Review status: criteria provided, single submitter. Criteria: GeneDx Variant Classification Process June 2021. Collection method: clinical testing. Allele origin: germline.
Comment: Not observed at significant frequency in large population cohorts (gnomAD); Frameshift variant predicted to result in abnormal protein length as the last 974 amino acids are replaced with 54 different amino acids; Has not been previously published as pathogenic or benign to our knowledge